The following is an entry in ClinVar:

ClinVar aggregate classification (germline): Uncertain significance (1 of 4 stars; one submission).

Conditions:
Bethlem myopathy 1A. Also called: MYOPATHY, BENIGN CONGENITAL, WITH CONTRACTURES; Bethlem myopathy 1; Bethlem Muscular Dystrophy. Identifiers: Orphanet 610, MedGen CN029274, MONDO:0024530, OMIM 158810.

Allele frequency attached by ClinVar (database versions not stated): gnomAD exomes 0.00001.

Submission:

Labcorp Genetics (formerly Invitae), Labcorp
Classification: Uncertain significance for Bethlem myopathy 1A. Last evaluated: 2025-10-24. Review status: criteria provided, single submitter. Criteria: Invitae Variant Classification Sherloc (09022015). Collection method: clinical testing. Allele origin: germline.
Comment: This sequence change replaces arginine, which is basic and polar, with threonine, which is neutral and polar, at codon 1204 of the COL6A3 protein (p.Arg1204Thr). This variant is not present in population databases (gnomAD no frequency). This variant has not been reported in the literature in individuals affected with COL6A3-related conditions. ClinVar contains an entry for this variant (Variation ID: 2998848). Invitae Evidence Modeling of protein sequence and biophysical properties (such as structural, functional, and spatial information, amino acid conservation, physicochemical variation, residue mobility, and thermodynamic stability) indicates that this missense variant is not expected to disrupt COL6A3 protein function with a negative predictive value of 80%. In summary, the available evidence is currently insufficient to determine the role of this variant in disease. Therefore, it has been classified as a Variant of Uncertain Significance.

NM_004369.4(COL6A3):c.3611G>C (p.Arg1204Thr)

Gene: COL6A3 (collagen type VI alpha 3 chain; minus strand). Cytogenetic location: 2q37.3.
Variant type: single nucleotide variant.
Coding change: c.3611G>C on transcript NM_004369.4 (MANE Select); coding-DNA position 3611, G replaced by C.
Protein change: p.Arg1204Thr; replaces arginine 1204 with threonine.
Molecular consequence: missense variant.
Genome position (GRCh38, 1-based): chr2:237,374,480, C>G on the plus strand (G>C on the coding strand, the complement: COL6A3 is on the minus strand). VCF-style: chr2-237374480-C-G. GRCh37 (hg19) VCF-style: chr2-238283123-C-G.
Other names: c.2390G>C, p.Arg797Thr (NM_057164.5); c.2993G>C, p.Arg998Thr (NM_057165.5, NM_057167.4); c.1790G>C, p.Arg597Thr (NM_057166.5); short protein forms R597T, R1204T, R797T, R998T.
Identifiers: ClinVar variation 2998848 (VCV002998848.3), dbSNP rs957456366, ClinGen allele CA351201713.